The following is an entry in ClinVar:

ClinVar aggregate classification (germline): Uncertain significance (1 of 4 stars; one submission).

Conditions:
PLXNA3-related disorder. Also called: PLXNA3-related condition.

Submission:

PreventionGenetics, part of Exact Sciences
Classification: Uncertain significance for PLXNA3-related condition. Last evaluated: 2025-08-15. Review status: criteria provided, single submitter. Criteria: ACMG Guidelines, 2015. Collection method: clinical testing. Allele origin: germline.
Comment: The PLXNA3 c.361C>G variant is predicted to result in the amino acid substitution p.Gln121Glu. To our knowledge, this variant has not been reported in the literature. This variant is reported in 0.0073% of alleles in individuals of East Asian descent in gnomAD. At this time, the clinical significance of this variant is uncertain due to the absence of conclusive functional and genetic evidence.

NM_017514.5(PLXNA3):c.361C>G (p.Gln121Glu)

Gene: PLXNA3 (plexin A3; plus strand). Cytogenetic location: Xq28.
Variant type: single nucleotide variant.
Coding change: c.361C>G on transcript NM_017514.5 (MANE Select); coding-DNA position 361, C replaced by G.
Protein change: p.Gln121Glu; replaces glutamine 121 with glutamic acid.
Molecular consequence: missense variant.
Genome position (GRCh38, 1-based): chrX:154,460,544, C>G. VCF-style: chrX-154460544-C-G. GRCh37 (hg19) VCF-style: chrX-153688884-C-G.
Other names: short protein forms Q121E.
Identifiers: ClinVar variation 4985037 (VCV004985037.1).
Genomic context (GRCh38, chrX:154,460,544, plus strand): 5'-CTCATAGACTATGCGGCCCGCCGCCTGGTGGCCTGCGGCAGCATCTGGCAGGGCATCTGC[C>G]AGTTCCTGCGTCTGGACGACCTCTTCAAGCTGGGTGAGCCGCACCACCGCAAGGAGCACT-3'
Protein context (NP_059984.3, residues 111-131): ACGSIWQGIC[Gln121Glu]FLRLDDLFKL